The following is an entry in ClinVar:

NM_032776.3(JMJD1C):c.3253C>T (p.Pro1085Ser)

Gene: JMJD1C (jumonji domain containing 1C; minus strand). Cytogenetic location: 10q21.3.
Variant type: single nucleotide variant.
Coding change: c.3253C>T on transcript NM_032776.3 (MANE Select); coding-DNA position 3253, C replaced by T.
Protein change: p.Pro1085Ser; replaces proline 1085 with serine.
Molecular consequence: missense variant. On other transcripts: non-coding transcript variant (1).
Genome position (GRCh38, 1-based): chr10:63,208,416, G>A on the plus strand (C>T on the coding strand, the complement: JMJD1C is on the minus strand). VCF-style: chr10-63208416-G-A. GRCh37 (hg19) VCF-style: chr10-64968176-G-A.
Other names: c.2707C>T, p.Pro903Ser (NM_001282948.2, NM_001318154.2); c.2389C>T, p.Pro797Ser (NM_001318153.2); c.3139C>T, p.Pro1047Ser (NM_001322252.2); c.2596C>T, p.Pro866Ser (NM_001322254.2, NM_001322258.2); short protein forms P1047S, P1085S, P797S, P866S, P903S.
Identifiers: ClinVar variation 1351415 (VCV001351415.6), dbSNP rs1846914421, ClinGen allele CA377042426.

ClinVar aggregate classification (germline): Uncertain significance (1 of 4 stars; one submission).

Conditions:
Early Myoclonic Encephalopathy. Identifiers: MedGen C0270855.

Allele frequency attached by ClinVar (database versions not stated): gnomAD exomes below 0.00001; gnomAD 0.00001.
gnomAD v4.1: 6 of 1,613,766 alleles (0.00037%); highest among the groups gnomAD compares: Non-Finnish European, 0.00051%; no homozygotes.

Submission:

Labcorp Genetics (formerly Invitae), Labcorp
Classification: Uncertain significance for Early Myoclonic Encephalopathy. Last evaluated: 2024-02-17. Review status: criteria provided, single submitter. Criteria: Invitae Variant Classification Sherloc (09022015). Collection method: clinical testing. Allele origin: germline.
Comment: This sequence change replaces proline, which is neutral and non-polar, with serine, which is neutral and polar, at codon 1085 of the JMJD1C protein (p.Pro1085Ser). This variant is not present in population databases (gnomAD no frequency). This variant has not been reported in the literature in individuals affected with JMJD1C-related conditions. ClinVar contains an entry for this variant (Variation ID: 1351415). Advanced modeling of protein sequence and biophysical properties (such as structural, functional, and spatial information, amino acid conservation, physicochemical variation, residue mobility, and thermodynamic stability) performed at Invitae indicates that this missense variant is not expected to disrupt JMJD1C protein function with a negative predictive value of 80%. In summary, the available evidence is currently insufficient to determine the role of this variant in disease. Therefore, it has been classified as a Variant of Uncertain Significance.